The following is an entry in ClinVar:

NM_024675.4(PALB2):c.1813T>G (p.Ser605Ala)

Gene: PALB2 (partner and localizer of BRCA2; minus strand). Cytogenetic location: 16p12.2.
Variant type: single nucleotide variant.
Coding change: c.1813T>G on transcript NM_024675.4 (MANE Select); coding-DNA position 1813, T replaced by G.
Protein change: p.Ser605Ala; replaces serine 605 with alanine.
Molecular consequence: missense variant.
Genome position (GRCh38, 1-based): chr16:23,630,341, A>C on the plus strand (T>G on the coding strand, the complement: PALB2 is on the minus strand). VCF-style: chr16-23630341-A-C. GRCh37 (hg19) VCF-style: chr16-23641662-A-C.
Other names: short protein forms S605A.
Identifiers: ClinVar variation 1062042 (VCV001062042.10), dbSNP rs2142388635, ClinGen allele CA395127994.
Genomic context (GRCh38, chr16:23,630,341, plus strand): 5'-CAAGCTTAAGAGGTCCAAAGTCTTCATCAGGTAACTGAAAGTCTGTGATACTGAGAAAAG[A>C]CAGTAGTTGCTTTAAACTCAGCATTCCATCCCTATGAAATGGAGCCGTGAAAGCATCATC-3'
Protein context (NP_078951.2, residues 595-615): DGMLSLKQLL[Ser605Ala]FLSITDFQLP

ClinVar aggregate classification (germline): Uncertain significance (1 of 4 stars; one submission).

Conditions:
Familial cancer of breast. Also called: Hereditary breast cancer; BREAST CANCER, FAMILIAL; hereditary breast carcinoma. Identifiers: Orphanet 227535, MedGen C0346153, MONDO:0016419, OMIM 114480. Disease mechanism: loss of function.

Allele frequency attached by ClinVar (database versions not stated): gnomAD exomes below 0.00001.
gnomAD v4.1: 1 of 1,614,200 alleles (0.000062%); highest among the groups gnomAD compares: Non-Finnish European, 0.000085%; no homozygotes.

Submission:

Labcorp Genetics (formerly Invitae), Labcorp
Classification: Uncertain significance for Familial cancer of breast. Last evaluated: 2020-04-14. Review status: criteria provided, single submitter. Criteria: Invitae Variant Classification Sherloc (09022015). Collection method: clinical testing. Allele origin: germline.
Comment: This variant has not been reported in the literature in individuals with PALB2-related conditions. This variant is not present in population databases (ExAC no frequency). This sequence change replaces serine with alanine at codon 605 of the PALB2 protein (p.Ser605Ala). The serine residue is moderately conserved and there is a moderate physicochemical difference between serine and alanine. Algorithms developed to predict the effect of missense changes on protein structure and function (SIFT, PolyPhen-2, Align-GVGD) all suggest that this variant is likely to be tolerated, but these predictions have not been confirmed by published functional studies and their clinical significance is uncertain. In summary, the available evidence is currently insufficient to determine the role of this variant in disease. Therefore, it has been classified as a Variant of Uncertain Significance.